The following is an entry in ClinVar:

NM_032119.4(ADGRV1):c.4929+6C>T

Gene: ADGRV1 (adhesion G protein-coupled receptor V1; plus strand). Cytogenetic location: 5q14.3.
Variant type: single nucleotide variant.
Coding change: c.4929+6C>T on transcript NM_032119.4 (MANE Select); 6 bases into the intron after coding-DNA position 4929, C replaced by T.
Molecular consequence: intron variant.
Genome position (GRCh38, 1-based): chr5:90,672,728, C>T. VCF-style: chr5-90672728-C-T. GRCh37 (hg19) VCF-style: chr5-89968545-C-T.
Identifiers: ClinVar variation 1045246 (VCV001045246.7), dbSNP rs770299827, ClinGen allele CA3339438.

ClinVar aggregate classification (germline): Conflicting classifications of pathogenicity. Review status: criteria provided, conflicting classifications (1 of 4 stars). 3 submissions from 3 submitters: Uncertain significance (2); Likely benign (1). Last evaluated 2025-01-27.

gnomAD v4.1: 16 of 1,583,198 alleles (0.001%); highest among the groups gnomAD compares: Admixed American, 0.018%; no homozygotes.

Submissions (3):

Women's Health and Genetics/Laboratory Corporation of America, LabCorp
Classification: Uncertain significance. Last evaluated: 2025-01-27. Review status: criteria provided, single submitter. Criteria: LabCorp Variant Classification Summary - May 2015. Collection method: clinical testing. Allele origin: germline.

Blueprint Genetics
Classification: Likely benign. Last evaluated: 2024-03-22. Review status: criteria provided, single submitter. Criteria: ACMG Guidelines, 2015. Collection method: clinical testing. Allele origin: germline.

Labcorp Genetics (formerly Invitae), Labcorp
Classification: Uncertain significance. Last evaluated: 2022-10-24. Review status: criteria provided, single submitter. Criteria: Invitae Variant Classification Sherloc (09022015). Collection method: clinical testing. Allele origin: germline.
Comment: This sequence change falls in intron 22 of the ADGRV1 gene. It does not directly change the encoded amino acid sequence of the ADGRV1 protein. It affects a nucleotide within the consensus splice site. This variant is present in population databases (rs770299827, gnomAD 0.02%). This variant has not been reported in the literature in individuals affected with ADGRV1-related conditions. ClinVar contains an entry for this variant (Variation ID: 1045246). Variants that disrupt the consensus splice site are a relatively common cause of aberrant splicing (PMID: 17576681, 9536098). Algorithms developed to predict the effect of sequence changes on RNA splicing suggest that this variant is not likely to affect RNA splicing. In summary, the available evidence is currently insufficient to determine the role of this variant in disease. Therefore, it has been classified as a Variant of Uncertain Significance.

Literature cited by the submitters: PubMed 17576681 (cited by Labcorp Genetics (formerly Invitae), Labcorp); PubMed 9536098 (cited by Labcorp Genetics (formerly Invitae), Labcorp).